The following is an entry in ClinVar:

NM_001277115.2(DNAH11):c.4377+15A>G

Gene: DNAH11 (dynein axonemal heavy chain 11; plus strand). Cytogenetic location: 7p15.3.
Variant type: single nucleotide variant.
Coding change: c.4377+15A>G on transcript NM_001277115.2 (MANE Select); 15 bases into the intron after coding-DNA position 4377, A replaced by G.
Molecular consequence: intron variant.
Genome position (GRCh38, 1-based): chr7:21,619,237, A>G. VCF-style: chr7-21619237-A-G. GRCh37 (hg19) VCF-style: chr7-21658855-A-G.
Identifiers: ClinVar variation 93687 (VCV000093687.24), dbSNP rs57208694, ClinGen allele CA147209.
Genomic context (GRCh38, chr7:21,619,237, plus strand): 5'-CCGAAGGATTGTGGACAAGGCGGTGAAAGAGCTGGGGACTGAGAAGGTAGTGTCCTCGGG[A>G]CTGGGTCATTTCTACTTGGCTAATTTTGGGTATTTGCATAGAAGCCAACTTAGAGAAAAG-3'

ClinVar aggregate classification (germline): Benign/Likely benign. Review status: criteria provided, multiple submitters, no conflicts (2 of 4 stars). 6 submissions from 6 submitters: Benign (5); Likely benign (1). Last evaluated 2026-02-04.

Conditions:
Primary ciliary dyskinesia. Also called: Ciliary dyskinesia. Identifiers: Orphanet 244, MedGen C0008780, MONDO:0016575, HP:0012265.

Allele frequency attached by ClinVar (database versions not stated): gnomAD exomes 0.47286 and 0.47400; ExAC 0.48895; gnomAD 0.50202 and 0.50362; TOPMed 0.50905; ESP Exome Variant Server 0.51261; 1000 Genomes Project 30x 0.55621; 1000 Genomes Project 0.56190.
gnomAD v4.1: 766,684 of 1,607,068 alleles (48%); highest among the groups gnomAD compares: East Asian, 77%; 186,208 homozygotes.

Submissions (6):

Labcorp Genetics (formerly Invitae), Labcorp
Classification: Benign for Primary ciliary dyskinesia. Last evaluated: 2026-02-04. Review status: criteria provided, single submitter. Criteria: Invitae Variant Classification Sherloc (09022015). Collection method: clinical testing. Allele origin: germline.

Blueprint Genetics
Classification: Likely benign. Last evaluated: 2024-11-27. Review status: criteria provided, single submitter. Criteria: ACMG Guidelines, 2015. Collection method: clinical testing. Allele origin: germline.

GeneDx
Classification: Benign. Last evaluated: 2019-04-10. Review status: criteria provided, single submitter. Criteria: GeneDx Variant Classification Process June 2021. Collection method: clinical testing. Allele origin: germline. Affected: yes.

Eurofins Ntd Llc (ga)
Classification: Benign. Last evaluated: 2013-05-09. Review status: criteria provided, single submitter. Criteria: EGL Classification Definitions 2015. Collection method: clinical testing. Allele origin: germline. Observed: 1 variant allele, 1 homozygote.

Laboratory for Molecular Medicine, Mass General Brigham Personalized Medicine
Classification: Benign. Last evaluated: 2013-02-21. Review status: criteria provided, single submitter. Criteria: LMM Criteria. Collection method: clinical testing. Allele origin: germline. Observed: 69 variant alleles.
Comment: 4377+15A>G in intron 24 of DNAH11: This variant is not expected to have clinical significance because it is not located within the conserved splice consensus se quence. It has been identified in 47.2% (3899/8262) of European American chromos omes from a broad population by the NHLBI Exome Sequencing Project (s.; dbSNP rs57208694).

PreventionGenetics, part of Exact Sciences
Classification: Benign. Review status: criteria provided, single submitter. Criteria: ACMG Guidelines, 2015. Collection method: clinical testing. Allele origin: germline.